The following is an entry in ClinVar:

NM_058216.3(RAD51C):c.1027C>T (p.Pro343Ser)

Gene: RAD51C (RAD51 paralog C; plus strand). Cytogenetic location: 17q22.
Variant type: single nucleotide variant.
Coding change: c.1027C>T on transcript NM_058216.3 (MANE Select); coding-DNA position 1027, C replaced by T.
Protein change: p.Pro343Ser; replaces proline 343 with serine.
Molecular consequence: missense variant. On other transcripts: non-coding transcript variant (1).
Genome position (GRCh38, 1-based): chr17:58,734,118, C>T. VCF-style: chr17-58734118-C-T. GRCh37 (hg19) VCF-style: chr17-56811479-C-T.
Other names: short protein forms P343S.
Identifiers: ClinVar variation 185049 (VCV000185049.15), dbSNP rs786201890, ClinGen allele CA190873.
Genomic context (GRCh38, chr17:58,734,118, plus strand): 5'-CTAAGATCAGTCTTCAAATGTTCTTAAAGCATATTTGTATATATATTTTTTATCTTTCAG[C>T]CTCAGGGATTTAGAGATACTGTTGTTACTTCTGCATGTTCATTGCAAACAGAAGGTTCCT-3'
Protein context (NP_478123.1, residues 333-353): KECTVLFQIK[Pro343Ser]QGFRDTVVTS

ClinVar aggregate classification (germline): Conflicting classifications of pathogenicity. Review status: criteria provided, conflicting classifications (1 of 4 stars). 2 submissions from 2 submitters: Uncertain significance (1); Benign (1). Last evaluated 2025-09-25.

Conditions:
Fanconi anemia complementation group O. Also called: RAD51C-Related Fanconi Anemia. Identifiers: Orphanet 84, MedGen C3150653, MONDO:0013248, OMIM 613390.
Hereditary cancer-predisposing syndrome. Also called: Tumor predisposition; Hereditary Cancer Syndrome; Hereditary neoplastic syndrome; Neoplastic Syndromes, Hereditary. Identifiers: Orphanet 140162, MedGen C0027672, MeSH D009386, MONDO:0015356.

Submissions (2):

Ambry Genetics
Classification: Benign for Hereditary cancer-predisposing syndrome. Last evaluated: 2025-09-25. Review status: criteria provided, single submitter. Criteria: Ambry Variant Classification Scheme 2023. Collection method: clinical testing. Allele origin: germline.

Labcorp Genetics (formerly Invitae), Labcorp
Classification: Uncertain significance for Fanconi anemia complementation group O. Last evaluated: 2020-12-03. Review status: criteria provided, single submitter. Criteria: Invitae Variant Classification Sherloc (09022015). Collection method: clinical testing. Allele origin: germline.
Comment: In summary, the available evidence is currently insufficient to determine the role of this variant in disease. Therefore, it has been classified as a Variant of Uncertain Significance. Algorithms developed to predict the effect of missense changes on protein structure and function output the following: SIFT: "Tolerated"; PolyPhen-2: "Benign"; Align-GVGD: "Class C0". The serine amino acid residue is found in multiple mammalian species, suggesting that this missense change does not adversely affect protein function. These predictions have not been confirmed by published functional studies and their clinical significance is uncertain. This variant has not been reported in the literature in individuals with RAD51C-related conditions. ClinVar contains an entry for this variant (Variation ID: 185049). This variant is not present in population databases (ExAC no frequency). This sequence change replaces proline with serine at codon 343 of the RAD51C protein (p.Pro343Ser). The proline residue is weakly conserved and there is a moderate physicochemical difference between proline and serine.